The following is an entry in ClinVar:

NM_001267550.2(TTN):c.53219G>A (p.Gly17740Asp)

Genes: TTN (titin; minus strand), TTN-AS1 (TTN antisense RNA 1; plus strand), LOC126806425 (BRD4-independent group 4 enhancer GRCh37_chr2:179471933-179473132; plus strand). Cytogenetic location: 2q31.2.
Variant type: single nucleotide variant.
Coding change: c.53219G>A on transcript NM_001267550.2 (MANE Select); coding-DNA position 53219, G replaced by A.
Protein change: p.Gly17740Asp; replaces glycine 17740 with aspartic acid.
Molecular consequence: missense variant.
Genome position (GRCh38, 1-based): chr2:178,607,469, C>T on the plus strand (G>A on the coding strand, the complement: TTN is on the minus strand). VCF-style: chr2-178607469-C-T. GRCh37 (hg19) VCF-style: chr2-179472196-C-T.
Other names: c.48296G>A, p.Gly16099Asp (NM_001256850.1); c.26024G>A, p.Gly8675Asp (NM_003319.4); c.45515G>A, p.Gly15172Asp (NM_133378.4); c.26399G>A, p.Gly8800Asp (NM_133432.3); c.26600G>A, p.Gly8867Asp (NM_133437.4); short protein forms G8675D, G8867D, G17740D, G8800D, G15172D, G16099D.
Identifiers: ClinVar variation 805719 (VCV000805719.2), dbSNP rs1219250375, ClinGen allele CA349565953.
Genomic context (GRCh38, chr2:178,607,469, plus strand): 5'-TCTACCCTGGCTGCTGCAAATTTGGAACCACAGCTATTTGTAGCTGTAATCACATATCTG[C>T]CATGGTCTTTTCGCAGTGCATCCTTGATAATTAGTTCAGATTTGGTTCCAACGTTGTCTA-3'
Protein context (NP_001254479.2, residues 17730-17750): IIKDALRKDH[Gly17740Asp]RYVITATNSC

ClinVar aggregate classification (germline): Uncertain significance. Review status: criteria provided, multiple submitters, no conflicts (2 of 4 stars). 2 submissions from 2 submitters: Uncertain significance (2). Last evaluated 2024-07-02.

Allele frequency attached by ClinVar (database versions not stated): gnomAD exomes below 0.00001 and 0.00001; gnomAD 0.00001.
gnomAD v4.1: 3 of 1,613,088 alleles (0.00019%); highest among the groups gnomAD compares: Admixed American, 0.005%; no homozygotes.

Submissions (2):

GeneDx
Classification: Uncertain significance. Last evaluated: 2024-07-02. Review status: criteria provided, single submitter. Criteria: GeneDx Variant Classification Process June 2021. Collection method: clinical testing. Allele origin: germline. Affected: yes.
Comment: Not observed at significant frequency in large population cohorts (gnomAD); Missense variant in a gene in which most reported pathogenic variants are truncating/loss of function; Has not been previously published as pathogenic or benign to our knowledge

Athena Diagnostics
Classification: Uncertain significance. Last evaluated: 2018-10-26. Review status: criteria provided, single submitter. Criteria: Athena Diagnostics Criteria. Collection method: clinical testing. Allele origin: germline.